The following is an entry in ClinVar:

NM_015459.5(ATL3):c.83A>C (p.Gln28Pro)

Gene: ATL3 (atlastin GTPase 3; minus strand). Cytogenetic location: 11q13.1.
Variant type: single nucleotide variant.
Coding change: c.83A>C on transcript NM_015459.5 (MANE Select); coding-DNA position 83, A replaced by C.
Protein change: p.Gln28Pro; replaces glutamine 28 with proline.
Molecular consequence: missense variant.
Genome position (GRCh38, 1-based): chr11:63,659,216, T>G on the plus strand (A>C on the coding strand, the complement: ATL3 is on the minus strand). VCF-style: chr11-63659216-T-G. GRCh37 (hg19) VCF-style: chr11-63426688-T-G.
Other names: c.29A>C, p.Gln10Pro (NM_001290048.2); c.83A>C (NM_015459.3); short protein forms Q28P, Q10P.
Identifiers: ClinVar variation 942770 (VCV000942770.10), dbSNP rs1278749058, ClinGen allele CA381031300.

ClinVar aggregate classification (germline): Uncertain significance. Review status: criteria provided, multiple submitters, no conflicts (2 of 4 stars). 2 submissions from 2 submitters: Uncertain significance (2). Last evaluated 2024-01-30.

Conditions:
Inborn genetic diseases. Identifiers: MedGen C0950123, MeSH D030342.
Neuropathy, hereditary sensory, type 1F. Also called: HSN IF; Hereditary sensory neuropathy type IF. Identifiers: Orphanet 36386, MedGen C3810194, MONDO:0014286, OMIM 615632.

Allele frequency attached by ClinVar (database versions not stated): TOPMed below 0.00001.
gnomAD v4.1: 3 of 1,614,150 alleles (0.00019%); highest among the groups gnomAD compares: Non-Finnish European, 0.00017%; no homozygotes.

Submissions (2):

Ambry Genetics
Classification: Uncertain significance for Inborn genetic diseases. Last evaluated: 2024-01-30. Review status: criteria provided, single submitter. Criteria: Ambry Variant Classification Scheme 2023. Collection method: clinical testing. Allele origin: germline.

Labcorp Genetics (formerly Invitae), Labcorp
Classification: Uncertain significance for Neuropathy, hereditary sensory, type 1F. Last evaluated: 2023-08-04. Review status: criteria provided, single submitter. Criteria: Invitae Variant Classification Sherloc (09022015). Collection method: clinical testing. Allele origin: germline.
Comment: In summary, the available evidence is currently insufficient to determine the role of this variant in disease. Therefore, it has been classified as a Variant of Uncertain Significance. Advanced modeling of protein sequence and biophysical properties (such as structural, functional, and spatial information, amino acid conservation, physicochemical variation, residue mobility, and thermodynamic stability) performed at Invitae indicates that this missense variant is not expected to disrupt ATL3 protein function. ClinVar contains an entry for this variant (Variation ID: 942770). This variant has not been reported in the literature in individuals affected with ATL3-related conditions. This variant is not present in population databases (gnomAD no frequency). This sequence change replaces glutamine, which is neutral and polar, with proline, which is neutral and non-polar, at codon 28 of the ATL3 protein (p.Gln28Pro).